The following is an entry in ClinVar:

ClinVar aggregate classification (germline): Uncertain significance (1 of 4 stars; one submission).

Conditions:
TTC21B-related disorder. Also called: TTC21B-related condition; TTC21B-related disorders.

Submission:

PreventionGenetics, part of Exact Sciences
Classification: Uncertain significance for TTC21B-related condition. Last evaluated: 2025-03-20. Review status: criteria provided, single submitter. Criteria: ACMG Guidelines, 2015. Collection method: clinical testing. Allele origin: germline.
Comment: The TTC21B c.445G>A variant is predicted to result in the amino acid substitution p.Ala149Thr. To our knowledge, this variant has not been reported in the literature or in a large population database (gnomAD), indicating this variant is rare. At this time, the clinical significance of this variant is uncertain due to the absence of conclusive functional and genetic evidence.

NM_024753.5(TTC21B):c.445G>A (p.Ala149Thr)

Genes: TTC21B (tetratricopeptide repeat domain 21B; minus strand), TTC21B-AS1 (TTC21B antisense RNA 1; plus strand). Cytogenetic location: 2q24.3.
Variant type: single nucleotide variant.
Coding change: c.445G>A on transcript NM_024753.5 (MANE Select); coding-DNA position 445, G replaced by A.
Protein change: p.Ala149Thr; replaces alanine 149 with threonine.
Molecular consequence: missense variant.
Genome position (GRCh38, 1-based): chr2:165,943,326, C>T on the plus strand (G>A on the coding strand, the complement: TTC21B is on the minus strand). VCF-style: chr2-165943326-C-T. GRCh37 (hg19) VCF-style: chr2-166799836-C-T.
Other names: short protein forms A149T.
Identifiers: ClinVar variation 5000112 (VCV005000112.1).